The following is an entry in ClinVar:

ClinVar aggregate classification (germline): Likely benign. Review status: criteria provided, single submitter (1 of 4 stars). 2 submissions from 2 submitters: Likely benign (1). 1 of the submissions does not count toward it. Last evaluated 2025-11-19.

Conditions:
ERCC6-related disorder. Also called: ERCC6-related condition; ERCC6-related disorders. Identifiers: MedGen CN239385.

Allele frequency attached by ClinVar (database versions not stated): ExAC 0.00001; gnomAD 0.00001; gnomAD exomes 0.00002; TOPMed 0.00002.
gnomAD v4.1: 24 of 1,613,232 alleles (0.0015%); highest among the groups gnomAD compares: Non-Finnish European, 0.002%; no homozygotes.

Submissions (3):

Labcorp Genetics (formerly Invitae), Labcorp
Classification: Likely benign. Last evaluated: 2025-11-19. Review status: criteria provided, single submitter. Criteria: Invitae Variant Classification Sherloc (09022015). Collection method: clinical testing. Allele origin: germline.

PreventionGenetics, part of Exact Sciences
Classification: Likely benign for ERCC6-related condition. Last evaluated: 2019-06-24. Review status: no assertion criteria provided. Collection method: clinical testing. Allele origin: germline. Not counted in ClinVar's aggregate classification.
Comment: This variant is classified as likely benign based on ACMG/AMP sequence variant interpretation guidelines (Richards et al. 2015 PMID: 25741868, with internal and published modifications).

Dr. Peter K. Rogan Lab, Western University
No classification provided (evidence only). Condition: Ovarian serous cystadenocarcinoma. Review status: no classification provided. Collection method: in vitro. Allele origin: not applicable. Functional consequence: retained intron. Not counted in ClinVar's aggregate classification.

NM_000124.4(ERCC6):c.1527-8T>G

Gene: ERCC6 (ERCC excision repair 6, chromatin remodeling factor; minus strand). Cytogenetic location: 10q11.23.
Variant type: single nucleotide variant.
Coding change: c.1527-8T>G on transcript NM_000124.4 (MANE Select); 8 bases into the intron before coding-DNA position 1527, T replaced by G.
Molecular consequence: intron variant.
Genome position (GRCh38, 1-based): chr10:49,500,704, A>C on the plus strand (T>G on the coding strand, the complement: ERCC6 is on the minus strand). VCF-style: chr10-49500704-A-C. GRCh37 (hg19) VCF-style: chr10-50708750-A-C.
Other names: c.1527-8T>G (NM_001346440.2, NM_000124.3).
Identifiers: ClinVar variation 2077875 (VCV002077875.7), dbSNP rs768505023, ClinGen allele CA5495935.
Genomic context (GRCh38, chr10:49,500,704, plus strand): 5'-CTGCCTGCTGGCAGTGCAATTCCCACAGCCACCTAACACCTGTCTGCTGGTACCTATGAC[A>C]ACAAACACCAACAAGAAAAGAGAAAATGGCAAATGGTGGATAATACAGATCATAACAGAA-3'